The following is an entry in ClinVar:

NM_153460.4(IL17RC):c.105+18G>A

Gene: IL17RC (interleukin 17 receptor C; plus strand). Cytogenetic location: 3p25.3.
Variant type: single nucleotide variant.
Coding change: c.105+18G>A on transcript NM_153460.4 (MANE Select); 18 bases into the intron after coding-DNA position 105, G replaced by A.
Molecular consequence: intron variant. On other transcripts: nonsense (1).
Genome position (GRCh38, 1-based): chr3:9,917,438, G>A. VCF-style: chr3-9917438-G-A. GRCh37 (hg19) VCF-style: chr3-9959122-G-A.
Other names: c.123G>A, p.Trp41Ter (NM_153461.4); c.105+18G>A (NM_001203263.2, NM_001203264.2, NM_001367278.1 and 5 more transcripts); short protein forms W41*.
Identifiers: ClinVar variation 2726626 (VCV002726626.3), dbSNP rs763231993, ClinGen allele CA351753361.

ClinVar aggregate classification (germline): Uncertain significance (1 of 4 stars; one submission).

Conditions:
Candidiasis, familial, 9 (CANDF9). Identifiers: Orphanet 1334, MedGen C4225324, MONDO:0014642, OMIM 616445.

gnomAD v4.1: 6 of 1,614,214 alleles (0.00037%); highest among the groups gnomAD compares: East Asian, 0.013%; no homozygotes.

Submission:

Labcorp Genetics (formerly Invitae), Labcorp
Classification: Uncertain significance for Candidiasis, familial, 9. Last evaluated: 2023-08-11. Review status: criteria provided, single submitter. Criteria: Invitae Variant Classification Sherloc (09022015). Collection method: clinical testing. Allele origin: germline.
Comment: This sequence change creates a premature translational stop signal (p.Trp41*) in the IL17RC gene. It is expected to result in an absent or disrupted protein product. However, the current clinical and genetic evidence is not sufficient to establish whether loss-of-function variants in IL17RC cause disease. In summary, the available evidence is currently insufficient to determine the role of this variant in disease. Therefore, it has been classified as a Variant of Uncertain Significance. This variant has not been reported in the literature in individuals affected with IL17RC-related conditions. This variant is not present in population databases (gnomAD no frequency).